The following is an entry in ClinVar:

ClinVar aggregate classification (germline): Likely pathogenic (1 of 4 stars; one submission).

Submission:

Labcorp Genetics (formerly Invitae), Labcorp
Classification: Likely pathogenic. Last evaluated: 2023-09-03. Review status: criteria provided, single submitter. Criteria: Invitae Variant Classification Sherloc (09022015). Collection method: clinical testing. Allele origin: germline.
Comment: This sequence change affects an acceptor splice site in intron 16 of the COL7A1 gene. It is expected to disrupt RNA splicing. Variants that disrupt the donor or acceptor splice site typically lead to a loss of protein function (PMID: 16199547), and loss-of-function variants in COL7A1 are known to be pathogenic (PMID: 16971478). This variant is not present in population databases (gnomAD no frequency). This variant has not been reported in the literature in individuals affected with COL7A1-related conditions. Algorithms developed to predict the effect of sequence changes on RNA splicing suggest that this variant may disrupt the consensus splice site. In summary, the currently available evidence indicates that the variant is pathogenic, but additional data are needed to prove that conclusively. Therefore, this variant has been classified as Likely Pathogenic.

Literature cited by the submitters: PubMed 16199547; PubMed 16971478.

NM_000094.4(COL7A1):c.2171-2A>T

Gene: COL7A1 (collagen type VII alpha 1 chain; minus strand). Cytogenetic location: 3p21.31.
Variant type: single nucleotide variant.
Coding change: c.2171-2A>T on transcript NM_000094.4 (MANE Select); the canonical splice acceptor site of the intron before coding-DNA position 2171, A replaced by T.
Molecular consequence: splice acceptor variant.
Genome position (GRCh38, 1-based): chr3:48,589,472, T>A on the plus strand (A>T on the coding strand, the complement: COL7A1 is on the minus strand). VCF-style: chr3-48589472-T-A. GRCh37 (hg19) VCF-style: chr3-48626905-T-A.
Identifiers: ClinVar variation 2757435 (VCV002757435.3), dbSNP rs1158674229, ClinGen allele CA352725030.